The following is an entry in ClinVar:

NM_001128159.3(VPS53):c.1313+214G>C

Gene: VPS53 (VPS53 subunit of GARP complex; minus strand). Cytogenetic location: 17p13.3.
Variant type: single nucleotide variant.
Coding change: c.1313+214G>C on transcript NM_001128159.3 (MANE Select); 214 bases into the intron after coding-DNA position 1313, G replaced by C.
Molecular consequence: intron variant.
Genome position (GRCh38, 1-based): chr17:586,056, C>G on the plus strand (G>C on the coding strand, the complement: VPS53 is on the minus strand). VCF-style: chr17-586056-C-G. GRCh37 (hg19) VCF-style: chr17-489296-C-G.
Other names: c.1226+214G>C (NM_018289.4); c.1313+214G>C (NM_001366253.2); c.719+214G>C (NM_001366254.2).
Identifiers: ClinVar variation 670856 (VCV000670856.1), dbSNP rs34345377, ClinGen allele CA15904352.
Genomic context (GRCh38, chr17:586,056, plus strand): 5'-ATATGTCAGGGCTCAACACCCACATAGGAAGGGATCCCAATGTAGGGATCCACTGGGGAC[C>G]TTATTAGGGGCAAACTCAGGCTCTGAGATTTATAGACACAATTAATGATAACATTCAAAA-3'

ClinVar aggregate classification (germline): Benign (1 of 4 stars; one submission).

Allele frequency attached by ClinVar (database versions not stated): 1000 Genomes Project 30x 0.11914; 1000 Genomes Project 0.12320; TOPMed 0.14140; gnomAD 0.14487 and 0.14645.
gnomAD v4.1: 22,404 of 152,064 alleles (15%); highest among the groups gnomAD compares: South Asian, 24%; 1,989 homozygotes.

Submission:

GeneDx
Classification: Benign. Last evaluated: 2018-06-19. Review status: criteria provided, single submitter. Criteria: GeneDx Variant Classification (06012015). Collection method: clinical testing. Allele origin: germline. Affected: yes.
Comment: This variant is considered likely benign or benign based on one or more of the following criteria: it is a conservative change, it occurs at a poorly conserved position in the protein, it is predicted to be benign by multiple in silico algorithms, and/or has population frequency not consistent with disease.